The following is an entry in ClinVar:

ClinVar aggregate classification (germline): Uncertain significance (1 of 4 stars; one submission).

Allele frequency attached by ClinVar (database versions not stated): gnomAD exomes below 0.00001; gnomAD 0.00001; TOPMed 0.00002.

Submission:

Labcorp Genetics (formerly Invitae), Labcorp
Classification: Uncertain significance. Last evaluated: 2024-07-30. Review status: criteria provided, single submitter. Criteria: Invitae Variant Classification Sherloc (09022015). Collection method: clinical testing. Allele origin: germline.
Comment: This sequence change replaces serine, which is neutral and polar, with proline, which is neutral and non-polar, at codon 79 of the FLI1 protein (p.Ser79Pro). This variant is not present in population databases (gnomAD no frequency). This variant has not been reported in the literature in individuals affected with FLI1-related conditions. ClinVar contains an entry for this variant (Variation ID: 2184233). Advanced modeling of protein sequence and biophysical properties (such as structural, functional, and spatial information, amino acid conservation, physicochemical variation, residue mobility, and thermodynamic stability) performed at Invitae indicates that this missense variant is not expected to disrupt FLI1 protein function with a negative predictive value of 80%. In summary, the available evidence is currently insufficient to determine the role of this variant in disease. Therefore, it has been classified as a Variant of Uncertain Significance.

NM_002017.5(FLI1):c.235T>C (p.Ser79Pro)

Gene: FLI1 (Fli-1 proto-oncogene, ETS transcription factor; plus strand). Cytogenetic location: 11q24.3.
Variant type: single nucleotide variant.
Coding change: c.235T>C on transcript NM_002017.5 (MANE Select); coding-DNA position 235, T replaced by C.
Protein change: p.Ser79Pro; replaces serine 79 with proline.
Molecular consequence: missense variant. On other transcripts: intron variant (1).
Genome position (GRCh38, 1-based): chr11:128,768,122, T>C. VCF-style: chr11-128768122-T-C. GRCh37 (hg19) VCF-style: chr11-128638017-T-C.
Other names: c.136T>C, p.Ser46Pro (NM_001167681.3); c.37T>C, p.Ser13Pro (NM_001271010.2); c.10+9796T>C (NM_001271012.2); short protein forms S46P, S13P, S79P.
Identifiers: ClinVar variation 2184233 (VCV002184233.4), dbSNP rs1266575591, ClinGen allele CA383235281.
Genomic context (GRCh38, chr11:128,768,122, plus strand): 5'-GGCAAGCTGCCCTGTCAGTGCTGACCGCCTCTGGGCTTTGTCTCTTCTCACTTTAGGGAG[T>C]CTCCGGTGGACTGCAGCGTTAGCAAATGCAGCAAGCTGGTGGGCGGAGGCGAGTCCAACC-3'
Protein context (NP_002008.2, residues 69-89): EYDHMNGSRE[Ser79Pro]PVDCSVSKCS